The following is an entry in ClinVar:

ClinVar aggregate classification (germline): Uncertain significance. Review status: criteria provided, multiple submitters, no conflicts (2 of 4 stars). 2 submissions from 2 submitters: Uncertain significance (2). Last evaluated 2026-06-15.

gnomAD v4.1: 4 of 1,613,764 alleles (0.00025%); highest among the groups gnomAD compares: African/African-American, 0.0053%; no homozygotes.

Submissions (2):

Women's Health and Genetics/Laboratory Corporation of America, LabCorp
Classification: Uncertain significance. Last evaluated: 2026-06-15. Review status: criteria provided, single submitter. Criteria: LabCorp Variant Classification Summary - May 2015. Collection method: clinical testing. Allele origin: germline.
Comment: Variant summary: PRMT7 c.964C>A (p.Pro322Thr) results in a non-conservative amino acid change in the encoded protein sequence. Algorithms developed to predict the effect of missense changes on protein structure and function are either unavailable or do not agree on the potential impact of this missense change. The variant was absent in 251138 control chromosomes. The available data on variant occurrences in the general population are insufficient to allow any conclusion about variant significance. To our knowledge, no occurrence of c.964C>A in individuals affected with PRMT7-related conditions and no experimental evidence demonstrating its impact on protein function have been reported. ClinVar contains an entry for this variant (Variation ID: 3899492). Based on the evidence outlined above, the variant was classified as uncertain significance.

GeneDx
Classification: Uncertain significance. Last evaluated: 2024-11-18. Review status: criteria provided, single submitter. Criteria: GeneDx Variant Classification Process June 2021. Collection method: clinical testing. Allele origin: germline. Affected: yes.
Comment: Not observed at significant frequency in large population cohorts (gnomAD); In silico analysis supports that this missense variant has a deleterious effect on protein structure/function; Has not been previously published as pathogenic or benign to our knowledge

NM_019023.5(PRMT7):c.964C>A (p.Pro322Thr)

Gene: PRMT7 (protein arginine methyltransferase 7; plus strand). Cytogenetic location: 16q22.1.
Variant type: single nucleotide variant.
Coding change: c.964C>A on transcript NM_019023.5 (MANE Select); coding-DNA position 964, C replaced by A.
Protein change: p.Pro322Thr; replaces proline 322 with threonine.
Molecular consequence: missense variant. On other transcripts: non-coding transcript variant (12).
Genome position (GRCh38, 1-based): chr16:68,345,711, C>A. VCF-style: chr16-68345711-C-A. GRCh37 (hg19) VCF-style: chr16-68379614-C-A.
Other names: c.814C>A, p.Pro272Thr (NM_001184824.4); c.964C>A, p.Pro322Thr (NM_001290018.2, NM_001351143.3, NM_001351144.3 and 1 more transcripts); c.757C>A, p.Pro253Thr (NM_001378020.1); c.727C>A, p.Pro243Thr (NM_001378021.1, NM_001378022.1, NM_001378023.1); short protein forms P243T, P253T, P272T, P322T.
Identifiers: ClinVar variation 3899492 (VCV003899492.2).
Genomic context (GRCh38, chr16:68,345,711, plus strand): 5'-AGCTGACTCTGTTCTCCGTTTCAGTGGCGGGACCACTGGATGCAGTGTGTGTACTTCCTG[C>A]CACAAGAGGAGCCTGTGGTGCAGGGCTCAGCGCTCTATCTGGTAGCCCACCACGATGACT-3'
Protein context (NP_061896.1, residues 312-332): DHWMQCVYFL[Pro322Thr]QEEPVVQGSA